The following is an entry in ClinVar:

NM_003195.6(TCEA2):c.411C>T (p.Ala137=)

Gene: TCEA2 (transcription elongation factor A2; plus strand). Cytogenetic location: 20q13.33.
Variant type: single nucleotide variant.
Coding change: c.411C>T on transcript NM_003195.6 (MANE Select); coding-DNA position 411, C replaced by T.
Protein change: p.Ala137=; no amino-acid change (alanine 137 retained).
Molecular consequence: synonymous variant.
Genome position (GRCh38, 1-based): chr20:64,069,442, C>T. VCF-style: chr20-64069442-C-T. GRCh37 (hg19) VCF-style: chr20-62700795-C-T.
Other names: c.330C>T, p.Ala110= (NM_198723.2).
Identifiers: ClinVar variation 4084447 (VCV004084447.8).

ClinVar aggregate classification (germline): Likely benign (1 of 4 stars; one submission).

Submission:

CeGaT Center for Human Genetics Tuebingen
Classification: Likely benign. Last evaluated: 2025-07-01. Review status: criteria provided, single submitter. Criteria: CeGaT Center For Human Genetics Tuebingen Variant Classification Criteria Version 2. Collection method: clinical testing. Allele origin: germline. Affected: yes. Observed: 1 variant allele.
Comment: TCEA2: BP4, BP7